The following is an entry in ClinVar:

ClinVar aggregate classification (germline): Uncertain significance (1 of 4 stars; one submission).

Conditions:
RYR1-related disorder. Also called: RYR1-related condition; RYR1-related disorders. Identifiers: MedGen CN239331.

Allele frequency attached by ClinVar (database versions not stated): gnomAD 0.00001.
gnomAD v4.1: 1 of 1,614,088 alleles (0.000062%); highest among the groups gnomAD compares: South Asian, 0.0011%; no homozygotes.

Submission:

Labcorp Genetics (formerly Invitae), Labcorp
Classification: Uncertain significance for RYR1-related disorder. Last evaluated: 2022-02-04. Review status: criteria provided, single submitter. Criteria: Invitae Variant Classification Sherloc (09022015). Collection method: clinical testing. Allele origin: germline.
Comment: In summary, the available evidence is currently insufficient to determine the role of this variant in disease. Therefore, it has been classified as a Variant of Uncertain Significance. Advanced modeling of protein sequence and biophysical properties (such as structural, functional, and spatial information, amino acid conservation, physicochemical variation, residue mobility, and thermodynamic stability) performed at Invitae indicates that this missense variant is not expected to disrupt RYR1 protein function. This variant has not been reported in the literature in individuals affected with RYR1-related conditions. This variant is not present in population databases (gnomAD no frequency). This sequence change replaces alanine, which is neutral and non-polar, with valine, which is neutral and non-polar, at codon 1093 of the RYR1 protein (p.Ala1093Val).

NM_000540.3(RYR1):c.3278C>T (p.Ala1093Val)

Gene: RYR1 (ryanodine receptor 1; plus strand). Cytogenetic location: 19q13.2.
Variant type: single nucleotide variant.
Coding change: c.3278C>T on transcript NM_000540.3 (MANE Select); coding-DNA position 3278, C replaced by T.
Protein change: p.Ala1093Val; replaces alanine 1093 with valine.
Molecular consequence: missense variant.
Genome position (GRCh38, 1-based): chr19:38,467,709, C>T. VCF-style: chr19-38467709-C-T. GRCh37 (hg19) VCF-style: chr19-38958349-C-T.
Other names: c.3278C>T, p.Ala1093Val (NM_001042723.2); short protein forms A1093V.
Identifiers: ClinVar variation 2135658 (VCV002135658.4), dbSNP rs1968183211, ClinGen allele CA405637203.